The following is an entry in ClinVar:

ClinVar aggregate classification (germline): Pathogenic (1 of 4 stars; one submission).

Conditions:
Familial cancer of breast. Also called: Hereditary breast cancer; BREAST CANCER, FAMILIAL; hereditary breast carcinoma. Identifiers: Orphanet 227535, MedGen C0346153, MONDO:0016419, OMIM 114480. Disease mechanism: loss of function.

gnomAD v4.1: 1 of 1,610,748 alleles (0.000062%); highest among the groups gnomAD compares: Non-Finnish European, 0.000085%; no homozygotes.

Submission:

Myriad Genetics, Inc.
Classification: Pathogenic for Familial cancer of breast. Last evaluated: 2023-06-05. Review status: criteria provided, single submitter. Criteria: Myriad Autosomal Dominant, Autosomal Recessive and X-Linked Classification Criteria (2023). Collection method: clinical testing. Allele origin: unknown.
Comment: This variant is considered pathogenic. This variant creates a termination codon and is predicted to result in premature protein truncation.

NM_032043.3(BRIP1):c.1850T>A (p.Leu617Ter)

Gene: BRIP1 (BRCA1 interacting DNA helicase 1; minus strand). Cytogenetic location: 17q23.2.
Variant type: single nucleotide variant.
Coding change: c.1850T>A on transcript NM_032043.3 (MANE Select); coding-DNA position 1850, T replaced by A.
Protein change: p.Leu617Ter; replaces leucine 617 with a stop codon.
Molecular consequence: nonsense.
Genome position (GRCh38, 1-based): chr17:61,780,346, A>T on the plus strand (T>A on the coding strand, the complement: BRIP1 is on the minus strand). VCF-style: chr17-61780346-A-T. GRCh37 (hg19) VCF-style: chr17-59857707-A-T.
Other names: short protein forms L617*.
Identifiers: ClinVar variation 2583471 (VCV002583471.2), dbSNP rs1064794095, ClinGen allele CA400480119.